The following is an entry in ClinVar:

ClinVar aggregate classification (germline): Pathogenic/Likely pathogenic. Review status: criteria provided, multiple submitters, no conflicts (2 of 4 stars). 2 submissions from 2 submitters: Pathogenic (1); Likely pathogenic (1). Last evaluated 2024-03-14.

Conditions:
Glucocorticoid-remediable aldosteronism. Also called: FH I; GLUCOCORTICOID-SUPPRESSIBLE HYPERALDOSTERONISM; Hyperaldosteronism, familial, type I; ALDOSTERONISM, SENSITIVE TO DEXAMETHASONE; ACTH-DEPENDENT HYPERALDOSTERONISM SYNDROME. Identifiers: Orphanet 403, MedGen C3838731, MONDO:0007080, OMIM 103900.

Submissions (2):

Genomic Medicine Center of Excellence, King Faisal Specialist Hospital and Research Centre
Classification: Likely pathogenic for Glucocorticoid-remediable aldosteronism. Last evaluated: 2024-03-14. Review status: criteria provided, single submitter. Criteria: ACMG Guidelines, 2015. Collection method: research. Allele origin: germline.

Labcorp Genetics (formerly Invitae), Labcorp
Classification: Pathogenic. Last evaluated: 2023-04-26. Review status: criteria provided, single submitter. Criteria: Invitae Variant Classification Sherloc (09022015). Collection method: clinical testing. Allele origin: germline.
Comment: For these reasons, this variant has been classified as Pathogenic. This premature translational stop signal has been observed in individual(s) with congenital adrenal hyperplasia (PMID: 27821898). This variant is not present in population databases (gnomAD no frequency). This sequence change creates a premature translational stop signal (p.Arg384*) in the CYP11B1 gene. It is expected to result in an absent or disrupted protein product. Loss-of-function variants in CYP11B1 are known to be pathogenic (PMID: 8506298, 26476331).

Literature cited by the submitters: PubMed 27821898 (cited by Labcorp Genetics (formerly Invitae), Labcorp); PubMed 8506298 (cited by Labcorp Genetics (formerly Invitae), Labcorp); PubMed 26476331 (cited by Labcorp Genetics (formerly Invitae), Labcorp).

NM_000497.4(CYP11B1):c.1150C>T (p.Arg384Ter)

Genes: CYP11B1 (cytochrome P450 family 11 subfamily B member 1; minus strand), LOC106799833 (CYP11B1 recombination region; plus strand). Cytogenetic location: 8q24.3.
Variant type: single nucleotide variant.
Coding change: c.1150C>T on transcript NM_000497.4 (MANE Select); coding-DNA position 1150, C replaced by T.
Protein change: p.Arg384Ter; replaces arginine 384 with a stop codon.
Molecular consequence: nonsense.
Genome position (GRCh38, 1-based): chr8:142,875,284, G>A on the plus strand (C>T on the coding strand, the complement: CYP11B1 is on the minus strand). VCF-style: chr8-142875284-G-A. GRCh37 (hg19) VCF-style: chr8-143956700-G-A.
Other names: c.1150C>T, p.Arg384Ter (NM_001026213.1); short protein forms R384*.
Identifiers: ClinVar variation 2735226 (VCV002735226.5), dbSNP rs1816900835, ClinGen allele CA372392515.